The following is an entry in ClinVar:

NM_001048174.2(MUTYH):c.225G>A (p.Trp75Ter)

Gene: MUTYH (mutY DNA glycosylase; minus strand). Cytogenetic location: 1p34.1.
Variant type: single nucleotide variant.
Coding change: c.225G>A on transcript NM_001048174.2 (MANE Select); coding-DNA position 225, G replaced by A.
Protein change: p.Trp75Ter; replaces tryptophan 75 with a stop codon.
Molecular consequence: nonsense. On other transcripts: 5 prime UTR variant (4), non-coding transcript variant (2).
Genome position (GRCh38, 1-based): chr1:45,333,452, C>T on the plus strand (G>A on the coding strand, the complement: MUTYH is on the minus strand). VCF-style: chr1-45333452-C-T. GRCh37 (hg19) VCF-style: chr1-45799124-C-T.
Other names: c.225G>A, p.Trp75Ter (NM_001048171.2, NM_001048173.2, NM_001293195.2); c.228G>A, p.Trp76Ter (NM_001048172.2); c.309G>A, p.Trp103Ter (NM_001128425.2); c.270G>A, p.Trp90Ter (NM_001293190.2); c.258G>A, p.Trp86Ter (NM_001293191.2); c.-52G>A (NM_001293192.2, NM_001293196.2); c.-47G>A (NM_001350650.2, NM_001350651.2); c.300G>A, p.Trp100Ter (NM_012222.3); short protein forms W103*, W89*, W75*, W76*, W90*, W100*, W86*.
Identifiers: ClinVar variation 184976 (VCV000184976.45), dbSNP rs748170941, ClinGen allele CA013324.
Genomic context (GRCh38, chr1:45,333,452, plus strand): 5'-CCCTGCTCCTCGCCTGCCTACCCGTCTTCTCCATGGTAGGTCCCGTTTCTCTTGGTCGTA[C>T]CAGCTTAGCAGGCTCCCTCGGAAGGCTGTGACTTCAGCTACGTCTCTGAATAGATGGTAT-3'

ClinVar aggregate classification (germline): Pathogenic. Review status: criteria provided, multiple submitters, no conflicts (2 of 4 stars). 14 submissions from 14 submitters: Pathogenic (12). 2 of the submissions do not count toward it. Last evaluated 2025-07-15.

Conditions:
Familial adenomatous polyposis 2. Also called: FAP type 2; Adenomas, multiple colorectal; MUTYH Polyposis; MYH-associated polyposis; MUTYH-associated polyposis; MUTYH-related attenuated familial adenomatous polyposis. Identifiers: Orphanet 220460, Orphanet 247798, MedGen C3272841, MONDO:0012041, OMIM 608456.
Gastric cancer. Also called: Stomach cancer; Malignant tumor of stomach. Identifiers: MedGen C0024623, MeSH D013274, MONDO:0001056, OMIM 613659, HP:0012126.
Hereditary cancer-predisposing syndrome. Also called: Tumor predisposition; Neoplastic Syndromes, Hereditary; Hereditary Cancer Syndrome; Hereditary neoplastic syndrome. Identifiers: Orphanet 140162, MedGen C0027672, MeSH D009386, MONDO:0015356.

Allele frequency attached by ClinVar (database versions not stated): ExAC 0.00001; gnomAD 0.00001; TOPMed 0.00002.
gnomAD v4.1: 45 of 1,614,102 alleles (0.0028%); highest among the groups gnomAD compares: Non-Finnish European, 0.0038%; no homozygotes.

Submissions (14):

Labcorp Genetics (formerly Invitae), Labcorp
Classification: Pathogenic for Familial adenomatous polyposis 2. Last evaluated: 2025-07-15. Review status: criteria provided, single submitter. Criteria: Invitae Variant Classification Sherloc (09022015). Collection method: clinical testing. Allele origin: germline.
Comment: This sequence change creates a premature translational stop signal (p.Trp103*) in the MUTYH gene. It is expected to result in an absent or disrupted protein product. Loss-of-function variants in MUTYH are known to be pathogenic (PMID: 18534194, 20663686). This variant is present in population databases (rs748170941, gnomAD 0.0009%). This premature translational stop signal has been observed in individual(s) with adenomatous polyposis (PMID: 15761860). This variant is also known as G267A (W89X). ClinVar contains an entry for this variant (Variation ID: 184976). For these reasons, this variant has been classified as Pathogenic.

Color Diagnostics, LLC DBA Color Health
Classification: Pathogenic for Hereditary cancer-predisposing syndrome. Last evaluated: 2025-06-09. Review status: criteria provided, single submitter. Criteria: ACMG Guidelines, 2015. Collection method: clinical testing. Allele origin: germline.
Comment: This variant changes 1 nucleotide in exon 3 of the MUTYH gene, creating a premature translation stop signal. This variant is expected to result in an absent or non-functional protein product. This variant has been reported in an individual affected with colorectal polyposis in compound heterozygous state with a known pathogenic variant p.Gly382Asp (PMID: 15761860). This variant has been identified in 1/251488 chromosomes in the general population by the Genome Aggregation Database (gnomAD). Loss of MUTYH function is a known mechanism of disease. Based on the available evidence, this variant is classified as Pathogenic.

Ambry Genetics
Classification: Pathogenic for Hereditary cancer-predisposing syndrome. Last evaluated: 2024-09-30. Review status: criteria provided, single submitter. Criteria: Ambry Variant Classification Scheme 2023. Collection method: clinical testing. Allele origin: germline.
Comment: The p.W103* pathogenic mutation (also known as c.309G>A), located in coding exon 3 of the MUTYH gene, results from a G to A substitution at nucleotide position 309. This changes the amino acid from a tryptophan to a stop codon within coding exon 3. This alteration was also identified in an individual diagnosed with pancreatic cancer (Lerner-Ellis J et al. J Cancer Res Clin Oncol, 2021 Mar;147:871-879). This variant is considered to be rare based on population cohorts in the Genome Aggregation Database (gnomAD). In addition to the clinical data presented in the literature, this alteration is expected to result in loss of function by premature protein truncation or nonsense-mediated mRNA decay. As such, this alteration is interpreted as a disease-causing mutation.

GeneDx
Classification: Pathogenic. Last evaluated: 2024-01-30. Review status: criteria provided, single submitter. Criteria: GeneDx Variant Classification Process June 2021. Collection method: clinical testing. Allele origin: germline. Affected: yes.
Comment: Nonsense variant predicted to result in protein truncation or nonsense mediated decay in a gene for which loss of function is a known mechanism of disease; Not observed at significant frequency in large population cohorts (gnomAD); This variant is associated with the following publications: (PMID: 25525159, 28152038, 34761457, 32885271, 15761860)

Baylor Genetics
Classification: Pathogenic for Familial adenomatous polyposis 2. Last evaluated: 2024-01-24. Review status: criteria provided, single submitter. Criteria: ACMG Guidelines, 2015. Collection method: clinical testing. Allele origin: unknown.

Fulgent Genetics
Classification: Pathogenic for Familial adenomatous polyposis 2; Gastric cancer. Last evaluated: 2024-01-05. Review status: criteria provided, single submitter. Criteria: ACMG Guidelines, 2015. Collection method: clinical testing. Allele origin: germline.

All of Us Research Program, National Institutes of Health
Classification: Pathogenic for Familial adenomatous polyposis 2. Last evaluated: 2023-10-30. Review status: criteria provided, single submitter. Criteria: ACMG Guidelines, 2015. Collection method: clinical testing. Allele origin: germline. Inheritance: Autosomal recessive inheritance. Observed: 2 variant alleles, 2 heterozygotes.
Comment: This variant changes 1 nucleotide in exon 3 of the MUTYH gene, creating a premature translation stop signal. This variant is expected to result in an absent or non-functional protein product. To our knowledge, this variant has been reported in individuals affected with colorectal polyposis (PMID: 15761860). This variant has been identified in 1/251488 chromosomes in the general population by the Genome Aggregation Database (gnomAD). Loss of MUTYH function is a known mechanism of disease. Based on the available evidence, this variant is classified as Pathogenic.

This study involves interpretation of variants in research participants for the purpose of population health screening. Participant phenotype was not available at the time of variant classification. Additional details can be found in publication PMID: 35346344, PMCID: PMC8962531

Women's Health and Genetics/Laboratory Corporation of America, LabCorp
Classification: Pathogenic for Familial adenomatous polyposis 2. Last evaluated: 2023-04-27. Review status: criteria provided, single submitter. Criteria: LabCorp Variant Classification Summary - May 2015. Collection method: clinical testing. Allele origin: germline.
Comment: Variant summary: MUTYH c.309G>A (p.Trp103X) results in a premature termination codon, predicted to cause a truncation of the encoded protein or absence of the protein due to nonsense mediated decay, which are commonly known mechanisms for disease. The variant allele was found at a frequency of 4e-06 in 251488 control chromosomes. c.309G>A has been reported in the literature in at least one individual affected with MUTYH-Associated Polyposis (Kairupan_2005). To our knowledge, no experimental evidence demonstrating an impact on protein function has been reported. The following publications have been ascertained in the context of this evaluation (PMID: 15761860). Nine clinical diagnostic laboratories have submitted clinical-significance assessments for this variant to ClinVar after 2014 without evidence for independent evaluation and classified as Pathogenic (n=6), Likely Pathogenic (n=2) and VUS (n=1. Based on the evidence outlined above, the variant was classified as pathogenic.

Laboratory for Molecular Medicine, Mass General Brigham Personalized Medicine
Classification: Pathogenic for Familial adenomatous polyposis 2. Last evaluated: 2020-04-14. Review status: criteria provided, single submitter. Criteria: ACMG Guidelines, 2015. Collection method: clinical testing. Allele origin: germline. Inheritance: Autosomal recessive inheritance.
Comment: The p.Trp103X variant in MUTYH has been reported in the compound heterozygous state in 1 individual with MUTYH-associated polyposis (Aretz 2006, Vogt 2009, Sutcliffe 2019). It has been identified in 0.001% (1/113764) of chromosomes in Europeans by gnomAD.This variant has also been reported in ClinVar (Variation ID 184976). This nonsense variant leads to a premature termination codon at position 103, which is predicted to lead to a truncated or absent protein. Loss of function of the MUTYH gene is an established disease mechanism in autosomal recessive MUTYH-associated polyposis. In summary, this variant meets criteria to be classified as pathogenic for autosomal recessive MUTYH-associated polyposis. ACMG/AMP criteria applied: PVS1, PM2, PM3.

Revvity Omics, Revvity
Classification: Pathogenic for Familial adenomatous polyposis 2. Last evaluated: 2019-05-24. Review status: criteria provided, single submitter. Criteria: ACMG Guidelines, 2015. Collection method: clinical testing. Allele origin: germline.

HudsonAlpha Institute for Biotechnology
Classification: Pathogenic for Familial adenomatous polyposis 2. Last evaluated: 2018-12-10. Review status: criteria provided, single submitter. Criteria: ACMG Guidelines, 2015. Collection method: research. Allele origin: unknown. Observed: 1 variant allele. Study: AGHI_GT.

Quest Diagnostics Nichols Institute San Juan Capistrano
Classification: Pathogenic. Last evaluated: 2017-11-24. Review status: criteria provided, single submitter. Criteria: Quest Diagnostics criteria. Collection method: clinical testing. Allele origin: germline.

Counsyl
Classification: Likely pathogenic for Familial adenomatous polyposis 2. Last evaluated: 2017-03-15. Review status: no assertion criteria provided. Collection method: clinical testing. Allele origin: unknown. Not counted in ClinVar's aggregate classification.

Department of Pathology and Laboratory Medicine, Sinai Health System
Classification: Pathogenic. Review status: no assertion criteria provided. Collection method: clinical testing. Allele origin: unknown. Affected: yes. Study: The Canadian Open Genetics Repository (COGR). Not counted in ClinVar's aggregate classification.
Comment: The MUTYH p.Trp103* variant was identified in 1 of 364 proband chromosomes (frequency: 0.003) from individuals or families with adenomatous polyposis (Kairupan 2005). The individual identified in this study was a compound heterozygote with a second pathogenic MUTYH mutation, p.Gly382Asp.The variant was also identified in dbSNP (ID: rs748170941) as "With Pathogenic allele ", ClinVar (classified as pathogenic by Invitae, Ambry Genetics and three other submitters; as likely pathogenic by Counsyl), and in the COGR database. The variant was not identified in Cosmic, or UMD-LSDB. The variant was identified in control databases in 1 of 246268 chromosomes at a frequency of 0.000004 (Genome Aggregation Database Feb 27, 2017). The variant was observed in the European in 1 of 111716 chromosomes (freq: 0.000009), but not in other populations. The p.Trp103* variant leads to a premature stop codon at position 103, which is predicted to lead to a truncated or absent protein and loss of function. Loss of function variants in the MUTYH gene are an established mechanism of disease in MUTYH-associated polyposis. In summary, based on the above information this variant meets our laboratoryâ€šÃ„Ã´s criteria to be classified as pathogenic.

Literature cited by the submitters: PubMed 18534194 (cited by Labcorp Genetics (formerly Invitae), Labcorp); PubMed 20663686 (cited by Labcorp Genetics (formerly Invitae), Labcorp); PubMed 15761860 (cited by 7 submitters); PubMed 32885271 (cited by Ambry Genetics); PubMed 28152038 (cited by Laboratory for Molecular Medicine, Mass General Brigham Personalized Medicine); PubMed 25525159 (cited by Counsyl).